The following is an entry in ClinVar:

ClinVar aggregate classification (germline): Uncertain significance. Review status: criteria provided, multiple submitters, no conflicts (2 of 4 stars). 2 submissions from 2 submitters: Uncertain significance (2). Last evaluated 2023-11-12.

Allele frequency attached by ClinVar (database versions not stated): gnomAD exomes below 0.00001; TOPMed below 0.00001.

Submissions (2):

GeneDx
Classification: Uncertain significance. Last evaluated: 2023-11-12. Review status: criteria provided, single submitter. Criteria: GeneDx Variant Classification Process June 2021. Collection method: clinical testing. Allele origin: germline. Affected: yes.
Comment: Not observed at significant frequency in large population cohorts (gnomAD); In silico analysis supports that this missense variant has a deleterious effect on protein structure/function; Has not been previously published as pathogenic or benign to our knowledge; Variants in candidate genes are classified as variants of uncertain significance in accordance with ACMG guidelines (PMID: 25741868); This variant is associated with the following publications: (PMID: 19151156, 27248010)

Ambry Genetics
Classification: Uncertain significance. Last evaluated: 2023-08-02. Review status: criteria provided, single submitter. Criteria: Ambry Variant Classification Scheme 2023. Collection method: clinical testing. Allele origin: germline.
Comment: The p.P94S variant (also known as c.280C>T), located in coding exon 3 of the RECQL gene, results from a C to T substitution at nucleotide position 280. The proline at codon 94 is replaced by serine, an amino acid with similar properties. This amino acid position is not well conserved in available vertebrate species, and serine is the reference amino acid in other vertebrate species. In addition, this alteration is predicted to be tolerated by in silico analysis. Since supporting evidence is limited at this time, the clinical significance of this alteration remains unclear.

NM_002907.4(RECQL):c.280C>T (p.Pro94Ser)

Gene: RECQL (RecQ like helicase; minus strand). Cytogenetic location: 12p12.1.
Variant type: single nucleotide variant.
Coding change: c.280C>T on transcript NM_002907.4 (MANE Select); coding-DNA position 280, C replaced by T.
Protein change: p.Pro94Ser; replaces proline 94 with serine.
Molecular consequence: missense variant.
Genome position (GRCh38, 1-based): chr12:21,490,313, G>A on the plus strand (C>T on the coding strand, the complement: RECQL is on the minus strand). VCF-style: chr12-21490313-G-A. GRCh37 (hg19) VCF-style: chr12-21643247-G-A.
Other names: c.280C>T, p.Pro94Ser (NM_032941.3); short protein forms P94S.
Identifiers: ClinVar variation 1305885 (VCV001305885.6), dbSNP rs1943386136, ClinGen allele CA384133188.